The following is an entry in ClinVar:

ClinVar aggregate classification (germline): Likely benign. Review status: criteria provided, multiple submitters, no conflicts (2 of 4 stars). 3 submissions from 3 submitters: Likely benign (3). Last evaluated 2025-10-02.

Conditions:
Cardiovascular phenotype. Identifiers: MedGen CN230736.
Long QT syndrome (LQTS). Identifiers: MedGen C0023976, MeSH D008133, MONDO:0002442. Disease mechanism: loss of function. Inheritance: Various modes of inheritance.

Allele frequency attached by ClinVar (database versions not stated): gnomAD 0.00003; TOPMed 0.00003.

Submissions (4):

Labcorp Genetics (formerly Invitae), Labcorp
Classification: Likely benign for Long QT syndrome. Last evaluated: 2025-10-02. Review status: criteria provided, single submitter. Criteria: Invitae Variant Classification Sherloc (09022015). Collection method: clinical testing. Allele origin: germline.

Ambry Genetics
Classification: Likely benign for Cardiovascular phenotype. Last evaluated: 2022-02-02. Review status: criteria provided, single submitter. Criteria: Ambry Variant Classification Scheme 2023. Collection method: clinical testing. Allele origin: germline.

Laboratory for Molecular Medicine, Mass General Brigham Personalized Medicine
Classification: Likely benign. Last evaluated: 2015-02-18. Review status: criteria provided, single submitter. Criteria: LMM Criteria. Collection method: clinical testing. Allele origin: germline. Observed: 1 variant allele.
Comment: p.Val99Val in exon 4 of KCNE1: This variant is not expected to have clinical sig nificance because it does not alter an amino acid residue and is not located wit hin the splice consensus sequence. It has been identified in 1/16508 South Asian chromosomes by the Exome Aggregation Consortium (ExAC).

Roden Lab, Vanderbilt University Medical Center
No classification provided (evidence only). Condition: Long QT syndrome 5. Review status: no classification provided. Collection method: in vitro. Allele origin: not applicable. Functional consequence: Effect on ion channel function. Not counted in ClinVar's aggregate classification.
ClinVar note: "not provided" was previously submitted as the classification for the variant. However, the classification appeared to be based only on an observation of functional data so it was converted to no classification on 2025-07-30.

NM_000219.6(KCNE1):c.297C>G (p.Val99=)

Gene: KCNE1 (potassium voltage-gated channel subfamily E regulatory subunit 1; minus strand). Cytogenetic location: 21q22.12.
Variant type: single nucleotide variant.
Coding change: c.297C>G on transcript NM_000219.6 (MANE Select); coding-DNA position 297, C replaced by G.
Protein change: p.Val99=; no amino-acid change (valine 99 retained).
Molecular consequence: synonymous variant.
Genome position (GRCh38, 1-based): chr21:34,449,338, G>C on the plus strand (C>G on the coding strand, the complement: KCNE1 is on the minus strand). VCF-style: chr21-34449338-G-C. GRCh37 (hg19) VCF-style: chr21-35821636-G-C.
Other names: c.297C>G, p.Val99= (NM_001127668.4, NM_001127669.4, NM_001127670.4 and 4 more transcripts).
Identifiers: ClinVar variation 227457 (VCV000227457.11), dbSNP rs780553669, ClinGen allele CA10577125.